The following is an entry in ClinVar:

ClinVar aggregate classification (germline): Uncertain significance. Review status: criteria provided, multiple submitters, no conflicts (2 of 4 stars). 2 submissions from 2 submitters: Uncertain significance (2). Last evaluated 2023-12-13.

Conditions:
Familial hypocalciuric hypercalcemia (FHH). Also called: Familial benign hypercalcemia. Identifiers: Orphanet 405, MedGen C1809471, MONDO:0018458.
Autosomal dominant hypocalcemia 1 (HYPOC1). Also called: HYPOCALCEMIA, FAMILIAL. Identifiers: MedGen C3715128, MONDO:0011013, OMIM 601198.
Nephrolithiasis/nephrocalcinosis. Identifiers: MedGen CN580796.

Allele frequency attached by ClinVar (database versions not stated): gnomAD 0.00001.
gnomAD v4.1: 1 of 1,614,058 alleles (0.000062%); highest among the groups gnomAD compares: Admixed American, 0.0017%; no homozygotes.

Submissions (2):

Labcorp Genetics (formerly Invitae), Labcorp
Classification: Uncertain significance for Familial hypocalciuric hypercalcemia; Autosomal dominant hypocalcemia 1. Last evaluated: 2023-12-13. Review status: criteria provided, single submitter. Criteria: Invitae Variant Classification Sherloc (09022015). Collection method: clinical testing. Allele origin: germline.
Comment: This sequence change replaces methionine, which is neutral and non-polar, with isoleucine, which is neutral and non-polar, at codon 987 of the CASR protein (p.Met987Ile). This variant is not present in population databases (gnomAD no frequency). This variant has not been reported in the literature in individuals affected with CASR-related conditions. ClinVar contains an entry for this variant (Variation ID: 1798176). An algorithm developed to predict the effect of missense changes on protein structure and function (PolyPhen-2) suggests that this variant is likely to be tolerated. In summary, the available evidence is currently insufficient to determine the role of this variant in disease. Therefore, it has been classified as a Variant of Uncertain Significance.

Ambry Genetics
Classification: Uncertain significance for Nephrolithiasis/nephrocalcinosis. Last evaluated: 2021-11-09. Review status: criteria provided, single submitter. Criteria: Ambry Variant Classification Scheme 2023. Collection method: clinical testing. Allele origin: germline.
Comment: The p.M987I variant (also known as c.2961G>A), located in coding exon 6 of the CASR gene, results from a G to A substitution at nucleotide position 2961. The methionine at codon 987 is replaced by isoleucine, an amino acid with highly similar properties. This amino acid position is conserved. In addition, this alteration is predicted to be tolerated by in silico analysis. Since supporting evidence is limited at this time, the clinical significance of this alteration remains unclear.

NM_000388.4(CASR):c.2961G>A (p.Met987Ile)

Gene: CASR (calcium sensing receptor; plus strand). Cytogenetic location: 3q21.1.
Variant type: single nucleotide variant.
Coding change: c.2961G>A on transcript NM_000388.4 (MANE Select); coding-DNA position 2961, G replaced by A.
Protein change: p.Met987Ile; replaces methionine 987 with isoleucine.
Molecular consequence: missense variant.
Genome position (GRCh38, 1-based): chr3:122,284,915, G>A. VCF-style: chr3-122284915-G-A. GRCh37 (hg19) VCF-style: chr3-122003762-G-A.
Other names: c.2991G>A, p.Met997Ile (NM_001178065.2); short protein forms M997I, M987I.
Identifiers: ClinVar variation 1798176 (VCV001798176.5), dbSNP rs2074949786, ClinGen allele CA354161151.
Genomic context (GRCh38, chr3:122,284,915, plus strand): 5'-CTTTGGCAGCGGCACGGTCACCTTCTCACTGAGCTTTGATGAGCCTCAGAAGAACGCCAT[G>A]GCCCACAGGAATTCTACGCACCAGAACTCCCTGGAGGCCCAGAAAAGCAGCGATACGCTG-3'
Protein context (NP_000379.3, residues 977-997): LSFDEPQKNA[Met987Ile]AHRNSTHQNS